The following is an entry in ClinVar:

ClinVar aggregate classification (germline): Uncertain significance (1 of 4 stars; one submission).

Conditions:
Alstrom syndrome (ALMS). Identifiers: Orphanet 64, MedGen C0268425, MONDO:0008763, OMIM 203800.

Submission:

Labcorp Genetics (formerly Invitae), Labcorp
Classification: Uncertain significance for Alstrom syndrome. Last evaluated: 2023-04-18. Review status: criteria provided, single submitter. Criteria: Invitae Variant Classification Sherloc (09022015). Collection method: clinical testing. Allele origin: germline.
Comment: In summary, the available evidence is currently insufficient to determine the role of this variant in disease. Therefore, it has been classified as a Variant of Uncertain Significance. Experimental studies and prediction algorithms are not available or were not evaluated, and the functional significance of this variant is currently unknown. This variant has not been reported in the literature in individuals affected with ALMS1-related conditions. This variant is not present in population databases (gnomAD no frequency). This sequence change replaces glutamic acid, which is acidic and polar, with lysine, which is basic and polar, at codon 2581 of the ALMS1 protein (p.Glu2581Lys).

NM_001378454.1(ALMS1):c.7738G>A (p.Glu2580Lys)

Gene: ALMS1 (ALMS1 centrosome and basal body associated protein; plus strand). Cytogenetic location: 2p13.1.
Variant type: single nucleotide variant.
Coding change: c.7738G>A on transcript NM_001378454.1 (MANE Select); coding-DNA position 7738, G replaced by A.
Protein change: p.Glu2580Lys; replaces glutamic acid 2580 with lysine.
Molecular consequence: missense variant.
Genome position (GRCh38, 1-based): chr2:73,489,697, G>A. VCF-style: chr2-73489697-G-A. GRCh37 (hg19) VCF-style: chr2-73716824-G-A.
Other names: c.7741G>A, p.Glu2581Lys (NM_015120.4); short protein forms E2580K, E2581K.
Identifiers: ClinVar variation 2976930 (VCV002976930.1), dbSNP rs2466212320, ClinGen allele CA347263961.